The following is an entry in ClinVar:

NM_022436.3(ABCG5):c.10C>A (p.Leu4Ile)

Gene: ABCG5 (ATP binding cassette subfamily G member 5; minus strand). Cytogenetic location: 2p21.
Variant type: single nucleotide variant.
Coding change: c.10C>A on transcript NM_022436.3 (MANE Select); coding-DNA position 10, C replaced by A.
Protein change: p.Leu4Ile; replaces leucine 4 with isoleucine.
Molecular consequence: missense variant.
Genome position (GRCh38, 1-based): chr2:43,838,670, G>T on the plus strand (C>A on the coding strand, the complement: ABCG5 is on the minus strand). VCF-style: chr2-43838670-G-T. GRCh37 (hg19) VCF-style: chr2-44065809-G-T.
Other names: short protein forms L4I.
Identifiers: ClinVar variation 1791952 (VCV001791952.2), dbSNP rs751275236, ClinGen allele CA1636823.
Genomic context (GRCh38, chr2:43,838,670, plus strand): 5'-AGCTCTGGGAGCCTCTGTTTACTTGGAGACCCATGGACCCTCCGGGGGTCAAAGATGAGA[G>T]GTCACCCATGGCCAACAGGCAGCAAAGCTGGGCAAATTTTCTGGTGGCCGGACCCTCCCC-3'
Protein context (NP_071881.1, residues 1-14): MGD[Leu4Ile]SSLTPGGSMG

ClinVar aggregate classification (germline): Uncertain significance (1 of 4 stars; one submission).

Conditions:
Cardiovascular phenotype. Identifiers: MedGen CN230736.

Allele frequency attached by ClinVar (database versions not stated): TOPMed below 0.00001; gnomAD 0.00001.
gnomAD v4.1: 13 of 1,613,564 alleles (0.00081%); highest among the groups gnomAD compares: Non-Finnish European, 0.0011%; no homozygotes.

Submission:

Ambry Genetics
Classification: Uncertain significance for Cardiovascular phenotype. Last evaluated: 2021-11-14. Review status: criteria provided, single submitter. Criteria: Ambry Variant Classification Scheme 2023. Collection method: clinical testing. Allele origin: germline.
Comment: The p.L4I variant (also known as c.10C>A), located in coding exon 1 of the ABCG5 gene, results from a C to A substitution at nucleotide position 10. The leucine at codon 4 is replaced by isoleucine, an amino acid with highly similar properties. This amino acid position is conserved. In addition, this alteration is predicted to be tolerated by in silico analysis. Since supporting evidence is limited at this time, the clinical significance of this alteration remains unclear.